The following is an entry in ClinVar:

NM_018012.4(KIF26B):c.5019A>G (p.Thr1673=)

Gene: KIF26B (kinesin family member 26B; plus strand). Cytogenetic location: 1q44.
Variant type: single nucleotide variant.
Coding change: c.5019A>G on transcript NM_018012.4 (MANE Select); coding-DNA position 5019, A replaced by G.
Protein change: p.Thr1673=; no amino-acid change (threonine 1673 retained).
Molecular consequence: synonymous variant.
Genome position (GRCh38, 1-based): chr1:245,688,002, A>G. VCF-style: chr1-245688002-A-G. GRCh37 (hg19) VCF-style: chr1-245851304-A-G.
Other names: NC_000001.10:g.245851304A>G.
Identifiers: ClinVar variation 3059088 (VCV003059088.3), dbSNP rs6701084, ClinGen allele CA1488564.
Genomic context (GRCh38, chr1:245,688,002, plus strand): 5'-GCTCTTCAGTGCCAAGCTGGAGCAGCTGGCCAGCAGAAGCAACTCGCTGGGCAGGGCGAC[A>G]GTCAGCCACTACGAATGCCTCTCCCTGGAGCGGGCCGAGAGCCTGTCCTCCGTGAGCTCC-3'
Protein context (NP_060482.2, residues 1663-1683): ASRSNSLGRA[Thr1673=]VSHYECLSLE

ClinVar aggregate classification (germline): Benign (0 of 4 stars; one submission).

Conditions:
KIF26B-related disorder. Also called: KIF26B-related condition.

Allele frequency attached by ClinVar (database versions not stated): gnomAD exomes 0.97989; ExAC 0.98431; ESP Exome Variant Server 0.98482; TOPMed 0.98525; gnomAD 0.98528; 1000 Genomes Project 30x 0.98798; 1000 Genomes Project 0.98982.
gnomAD v4.1: 1,535,500 of 1,566,092 alleles (98%); highest among the groups gnomAD compares: East Asian, 100%; 752,833 homozygotes.

Submissions (5):

PreventionGenetics, part of Exact Sciences
Classification: Benign for KIF26B-related condition. Last evaluated: 2019-10-21. Review status: no assertion criteria provided. Collection method: clinical testing. Allele origin: germline.
Comment: This variant is classified as benign based on ACMG/AMP sequence variant interpretation guidelines (Richards et al. 2015 PMID: 25741868, with internal and published modifications).

Dr. Peter K. Rogan Lab, Western University
No classification provided (evidence only). Condition: Familial cancer of breast. Review status: no classification provided. Collection method: in vitro. Allele origin: not applicable. Functional consequence: retained intron. Not counted in ClinVar's aggregate classification.

Dr. Peter K. Rogan Lab, Western University
No classification provided (evidence only). Condition: Uveal melanoma. Review status: no classification provided. Collection method: in vitro. Allele origin: not applicable. Functional consequence: retained intron. Not counted in ClinVar's aggregate classification.

Dr. Peter K. Rogan Lab, Western University
No classification provided (evidence only). Condition: Uveal melanoma. Review status: no classification provided. Collection method: in vitro. Allele origin: not applicable. Functional consequence: retained intron. Not counted in ClinVar's aggregate classification.

Dr. Peter K. Rogan Lab, Western University
No classification provided (evidence only). Condition: Uveal melanoma. Review status: no classification provided. Collection method: in vitro. Allele origin: not applicable. Functional consequence: retained intron. Not counted in ClinVar's aggregate classification.